The following is an entry in ClinVar:

ClinVar aggregate classification (germline): Uncertain significance (1 of 4 stars; one submission).

Conditions:
Gorlin syndrome. Also called: Nevoid Basal Cell Carcinoma Syndrome; Basal cell nevus syndrome. Identifiers: Orphanet 377, MedGen C0004779, MONDO:0007187.

Allele frequency attached by ClinVar (database versions not stated): gnomAD exomes below 0.00001 and 0.00001; gnomAD 0.00001 and 0.00002; ExAC 0.00002; TOPMed 0.00002; 1000 Genomes Project 30x 0.00016; 1000 Genomes Project 0.00020.
gnomAD v4.1: 10 of 1,614,092 alleles (0.00062%); highest among the groups gnomAD compares: Admixed American, 0.012%; no homozygotes.

Submission:

Labcorp Genetics (formerly Invitae), Labcorp
Classification: Uncertain significance for Gorlin syndrome. Last evaluated: 2017-12-23. Review status: criteria provided, single submitter. Criteria: Invitae Variant Classification Sherloc (09022015). Collection method: clinical testing. Allele origin: germline.
Comment: In summary, the available evidence is currently insufficient to determine the role of this variant in disease. Therefore, it has been classified as a Variant of Uncertain Significance. Algorithms developed to predict the effect of missense changes on protein structure and function (SIFT, PolyPhen-2, Align-GVGD) all suggest that this variant is likely to be tolerated, but these predictions have not been confirmed by published functional studies and their clinical significance is uncertain. This variant has not been reported in the literature in individuals with PTCH2-related disease. This variant is present in population databases (rs545773315, ExAC 0.009%). This sequence change replaces threonine with serine at codon 1158 of the PTCH2 protein (p.Thr1158Ser). The threonine residue is moderately conserved and there is a small physicochemical difference between threonine and serine.

NM_003738.5(PTCH2):c.3473C>G (p.Thr1158Ser)

Gene: PTCH2 (patched 2; minus strand). Cytogenetic location: 1p34.1.
Variant type: single nucleotide variant.
Coding change: c.3473C>G on transcript NM_003738.5 (MANE Select); coding-DNA position 3473, C replaced by G.
Protein change: p.Thr1158Ser; replaces threonine 1158 with serine.
Molecular consequence: missense variant. On other transcripts: intron variant (1).
Genome position (GRCh38, 1-based): chr1:44,822,554, G>C on the plus strand (C>G on the coding strand, the complement: PTCH2 is on the minus strand). VCF-style: chr1-44822554-G-C. GRCh37 (hg19) VCF-style: chr1-45288226-G-C.
Other names: c.3425+48C>G (NM_001166292.2); short protein forms T1158S.
Identifiers: ClinVar variation 524527 (VCV000524527.9), dbSNP rs545773315, ClinGen allele CA822678.